The following is an entry in ClinVar:

ClinVar aggregate classification (germline): Likely benign. Review status: criteria provided, multiple submitters, no conflicts (2 of 4 stars). 6 submissions from 6 submitters: Likely benign (5). 1 of the submissions does not count toward it. Last evaluated 2026-09-01.

Conditions:
RIN2-related disorder. Also called: RIN2-related condition.

Allele frequency attached by ClinVar (database versions not stated): ESP Exome Variant Server 0.00048; gnomAD 0.00054 and 0.00056; 1000 Genomes Project 30x 0.00062; gnomAD exomes 0.00073; ExAC 0.00076; 1000 Genomes Project 0.00080; TOPMed 0.00082.
gnomAD v4.1: 1,433 of 1,614,024 alleles (0.089%); highest among the groups gnomAD compares: Non-Finnish European, 0.11%; no homozygotes.

Submissions (6):

CeGaT Center for Human Genetics Tuebingen
Classification: Likely benign. Last evaluated: 2026-09-01. Review status: criteria provided, single submitter. Criteria: CeGaT Center For Human Genetics Tuebingen Variant Classification Criteria Version 2. Collection method: clinical testing. Allele origin: germline. Affected: yes. Observed: 3 variant alleles.
Comment: RIN2: BP4, BP7

Labcorp Genetics (formerly Invitae), Labcorp
Classification: Likely benign. Last evaluated: 2026-02-03. Review status: criteria provided, single submitter. Criteria: Invitae Variant Classification Sherloc (09022015). Collection method: clinical testing. Allele origin: germline.

Blueprint Genetics
Classification: Likely benign. Last evaluated: 2024-09-19. Review status: criteria provided, single submitter. Criteria: ACMG Guidelines, 2015. Collection method: clinical testing. Allele origin: germline.

GeneDx
Classification: Likely benign. Last evaluated: 2021-01-29. Review status: criteria provided, single submitter. Criteria: GeneDx Variant Classification Process June 2021. Collection method: clinical testing. Allele origin: germline. Affected: yes.

Breakthrough Genomics
Classification: Likely benign. Review status: criteria provided, single submitter. Criteria: ACMG Guidelines, 2015. Collection method: not provided. Allele origin: germline. Inheritance: Autosomal recessive inheritance. Affected: yes.

PreventionGenetics, part of Exact Sciences
Classification: Likely benign for RIN2-related condition. Last evaluated: 2020-03-06. Review status: no assertion criteria provided. Collection method: clinical testing. Allele origin: germline. Not counted in ClinVar's aggregate classification.
Comment: This variant is classified as likely benign based on ACMG/AMP sequence variant interpretation guidelines (Richards et al. 2015 PMID: 25741868, with internal and published modifications).

NM_018993.4(RIN2):c.2529A>T (p.Thr843=)

Gene: RIN2 (Ras and Rab interactor 2; plus strand). Cytogenetic location: 20p11.23.
Variant type: single nucleotide variant.
Coding change: c.2529A>T on transcript NM_018993.4 (MANE Select); coding-DNA position 2529, A replaced by T.
Protein change: p.Thr843=; no amino-acid change (threonine 843 retained).
Molecular consequence: synonymous variant.
Genome position (GRCh38, 1-based): chr20:20,000,777, A>T. VCF-style: chr20-20000777-A-T. GRCh37 (hg19) VCF-style: chr20-19981421-A-T.
Other names: c.2676A>T, p.Thr892= (NM_001242581.2); c.1911A>T, p.Thr637= (NM_001378238.1).
Identifiers: ClinVar variation 512337 (VCV000512337.77), dbSNP rs375395451, ClinGen allele CA9780321.